The following is an entry in ClinVar:

NM_152383.5(DIS3L2):c.453G>A (p.Pro151=)

Gene: DIS3L2 (DIS3 like 3'-5' exoribonuclease 2; plus strand). Cytogenetic location: 2q37.1.
Variant type: single nucleotide variant.
Coding change: c.453G>A on transcript NM_152383.5 (MANE Select); coding-DNA position 453, G replaced by A.
Protein change: p.Pro151=; no amino-acid change (proline 151 retained).
Molecular consequence: synonymous variant. On other transcripts: non-coding transcript variant (2).
Genome position (GRCh38, 1-based): chr2:232,087,573, G>A. VCF-style: chr2-232087573-G-A. GRCh37 (hg19) VCF-style: chr2-232952283-G-A.
Other names: c.453G>A, p.Pro151= (NM_001257281.2, NM_001257282.2).
Identifiers: ClinVar variation 416364 (VCV000416364.41), dbSNP rs567611268, ClinGen allele CA2163828.
Genomic context (GRCh38, chr2:232,087,573, plus strand): 5'-AGAAACAGAAGCTGCGTATGAATCAGATATCCCCGAGGAGCTCTGTGGACACCATCTCCC[G>A]CAACAGTCCCTGAAAAGCTATAATGACAGTCCTGATGTCATTGTAGAGGCTCAGTTTGAT-3'
Protein context (NP_689596.4, residues 141-161): IPEELCGHHL[Pro151=]QQSLKSYNDS

ClinVar aggregate classification (germline): Conflicting classifications of pathogenicity. Review status: criteria provided, conflicting classifications (1 of 4 stars). 4 submissions from 4 submitters: Uncertain significance (1); Likely benign (2). 1 of the submissions does not count toward it. Last evaluated 2024-11-27.

Conditions:
DIS3L2-related disorder. Also called: DIS3L2-related condition.
Perlman syndrome (PRLMNS). Identifiers: Orphanet 2849, MedGen C0796113, MONDO:0009965, OMIM 267000.

Allele frequency attached by ClinVar (database versions not stated): TOPMed 0.00002; gnomAD 0.00003.
gnomAD v4.1: 66 of 1,613,864 alleles (0.0041%); highest among the groups gnomAD compares: South Asian, 0.038%; no homozygotes.

Submissions (4):

Labcorp Genetics (formerly Invitae), Labcorp
Classification: Likely benign for Perlman syndrome. Last evaluated: 2024-11-27. Review status: criteria provided, single submitter. Criteria: Invitae Variant Classification Sherloc (09022015). Collection method: clinical testing. Allele origin: germline.

CeGaT Center for Human Genetics Tuebingen
Classification: Likely benign. Last evaluated: 2023-09-01. Review status: criteria provided, single submitter. Criteria: CeGaT Center For Human Genetics Tuebingen Variant Classification Criteria Version 2. Collection method: clinical testing. Allele origin: germline. Affected: yes. Observed: 1 variant allele.
Comment: DIS3L2: BP4, BP7

Illumina Laboratory Services, Illumina
Classification: Uncertain significance for Perlman syndrome. Last evaluated: 2018-01-12. Review status: criteria provided, single submitter. Criteria: ICSL Variant Classification Criteria 13 December 2019. Collection method: clinical testing. Allele origin: germline.

PreventionGenetics, part of Exact Sciences
Classification: Likely benign for DIS3L2-related condition. Last evaluated: 2021-05-17. Review status: no assertion criteria provided. Collection method: clinical testing. Allele origin: germline. Not counted in ClinVar's aggregate classification.
Comment: This variant is classified as likely benign based on ACMG/AMP sequence variant interpretation guidelines (Richards et al. 2015 PMID: 25741868, with internal and published modifications).